The following is an entry in ClinVar:

NM_001374736.1(DST):c.12388C>G (p.His4130Asp)

Genes: DST (dystonin; minus strand), LOC129996656 (ATAC-STARR-seq lymphoblastoid active region 24702; plus strand). Cytogenetic location: 6p12.1.
Variant type: single nucleotide variant.
Coding change: c.12388C>G on transcript NM_001374736.1 (MANE Select); coding-DNA position 12388, C replaced by G.
Protein change: p.His4130Asp; replaces histidine 4130 with aspartic acid.
Molecular consequence: missense variant.
Genome position (GRCh38, 1-based): chr6:56,594,001, G>C on the plus strand (C>G on the coding strand, the complement: DST is on the minus strand). VCF-style: chr6-56594001-G-C. GRCh37 (hg19) VCF-style: chr6-56458799-G-C.
Other names: p.His1507Asp; c.6031C>G, p.His2011Asp (NM_001144769.5); c.5617C>G, p.His1873Asp (NM_001144770.2); c.12388C>G, p.His4130Asp (NM_001374722.1); c.11755C>G, p.His3919Asp (NM_001374729.1); c.5497C>G, p.His1833Asp (NM_001374730.1, NM_183380.4); c.12415C>G, p.His4139Asp (NM_001374734.1); c.4519C>G, p.His1507Asp (NM_015548.5); short protein forms H1833D, H3919D, H1873D, H1507D, H4139D, H2011D, H4130D.
Identifiers: ClinVar variation 968164 (VCV000968164.31), dbSNP rs772590922, ClinGen allele CA3868456.

ClinVar aggregate classification (germline): Uncertain significance. Review status: criteria provided, multiple submitters, no conflicts (2 of 4 stars). 3 submissions from 3 submitters: Uncertain significance (3). Last evaluated 2025-09-30.

Conditions:
Hereditary sensory and autonomic neuropathy type 6. Also called: Neuropathy, hereditary sensory and autonomic, type VI; HSAN VI. Identifiers: Orphanet 314381, MedGen C3539003, MONDO:0013839, OMIM 614653.
Epidermolysis bullosa simplex 3, localized or generalized intermediate, with BP230 deficiency (EBS3). Also called: Epidermolysis bullosa simplex, autosomal recessive 2; Epidermolysis bullosa simplex due to BP230 deficiency. Identifiers: Orphanet 412181, MedGen C3809470, MONDO:0014180, OMIM 615425.

Allele frequency attached by ClinVar (database versions not stated): ExAC 0.00001; gnomAD exomes 0.00001; gnomAD 0.00002; TOPMed 0.00002.
gnomAD v4.1: 16 of 1,613,740 alleles (0.00099%); highest among the groups gnomAD compares: East Asian, 0.0045%; no homozygotes.

Submissions (3):

Mayo Clinic Laboratories, Mayo Clinic
Classification: Uncertain significance. Last evaluated: 2025-09-30. Review status: criteria provided, single submitter. Criteria: ACMG Guidelines, 2015. Collection method: clinical testing. Allele origin: germline. Observed: 2 variant alleles.
Comment: BP4_moderate

CeGaT Center for Human Genetics Tuebingen
Classification: Uncertain significance. Last evaluated: 2023-10-01. Review status: criteria provided, single submitter. Criteria: CeGaT Center For Human Genetics Tuebingen Variant Classification Criteria Version 2. Collection method: clinical testing. Allele origin: germline. Affected: yes. Observed: 1 variant allele.
Comment: DST: PM2, BP4

Labcorp Genetics (formerly Invitae), Labcorp
Classification: Uncertain significance for Epidermolysis bullosa simplex 3, localized or generalized intermediate, with BP230 deficiency; Hereditary sensory and autonomic neuropathy type 6. Last evaluated: 2022-02-28. Review status: criteria provided, single submitter. Criteria: Invitae Variant Classification Sherloc (09022015). Collection method: clinical testing. Allele origin: germline.
Comment: The DST gene has multiple clinically relevant transcripts. This variant occurs in alternate transcript NM_015548.4, and corresponds to NM_001723.5:c.*21516C>G in the primary transcript. This sequence change replaces histidine, which is basic and polar, with aspartic acid, which is acidic and polar, at codon 1507 of the DST protein (p.His1507Asp). This variant is present in population databases (rs772590922, gnomAD 0.004%). This variant has not been reported in the literature in individuals affected with DST-related conditions. Experimental studies and prediction algorithms are not available or were not evaluated, and the functional significance of this variant is currently unknown. In summary, the available evidence is currently insufficient to determine the role of this variant in disease. Therefore, it has been classified as a Variant of Uncertain Significance.